The following is an entry in ClinVar:

ClinVar aggregate classification (germline): Uncertain significance (1 of 4 stars; one submission).

Conditions:
Neutral lipid storage myopathy (NLSDM). Also called: NEUTRAL LIPID STORAGE DISEASE WITHOUT ICHTHYOSIS. Identifiers: Orphanet 98908, MedGen C1853136, MONDO:0012545, OMIM 610717.

Allele frequency attached by ClinVar (database versions not stated): TOPMed below 0.00001.

Submission:

Labcorp Genetics (formerly Invitae), Labcorp
Classification: Uncertain significance for Neutral lipid storage myopathy. Last evaluated: 2022-08-16. Review status: criteria provided, single submitter. Criteria: Invitae Variant Classification Sherloc (09022015). Collection method: clinical testing. Allele origin: germline.
Comment: In summary, the available evidence is currently insufficient to determine the role of this variant in disease. Therefore, it has been classified as a Variant of Uncertain Significance. Algorithms developed to predict the effect of missense changes on protein structure and function are either unavailable or do not agree on the potential impact of this missense change (SIFT: "Tolerated"; PolyPhen-2: "Possibly Damaging"; Align-GVGD: "Class C0"). ClinVar contains an entry for this variant (Variation ID: 847654). This variant has not been reported in the literature in individuals affected with PNPLA2-related conditions. This variant is not present in population databases (gnomAD no frequency). This sequence change replaces proline, which is neutral and non-polar, with leucine, which is neutral and non-polar, at codon 327 of the PNPLA2 protein (p.Pro327Leu).

NM_020376.4(PNPLA2):c.980C>T (p.Pro327Leu)

Gene: PNPLA2 (patatin like domain 2, triacylglycerol lipase; plus strand). Cytogenetic location: 11p15.5.
Variant type: single nucleotide variant.
Coding change: c.980C>T on transcript NM_020376.4 (MANE Select); coding-DNA position 980, C replaced by T.
Protein change: p.Pro327Leu; replaces proline 327 with leucine.
Molecular consequence: missense variant.
Genome position (GRCh38, 1-based): chr11:824,058, C>T. VCF-style: chr11-824058-C-T. GRCh37 (hg19) VCF-style: chr11-824058-C-T.
Other names: short protein forms P327L.
Identifiers: ClinVar variation 847654 (VCV000847654.9), dbSNP rs1845776663, ClinGen allele CA378983681.